The following is an entry in ClinVar:

ClinVar aggregate classification (germline): Likely benign (0 of 4 stars; one submission).

Conditions:
MYO1C-related disorder. Also called: MYO1C-related condition.

Allele frequency attached by ClinVar (database versions not stated): gnomAD exomes below 0.00001; ExAC 0.00001.
gnomAD v4.1: 1 of 1,614,074 alleles (0.000062%); highest among the groups gnomAD compares: South Asian, 0.0011%; no homozygotes.

Submission:

PreventionGenetics, part of Exact Sciences
Classification: Likely benign for MYO1C-related condition. Last evaluated: 2019-05-16. Review status: no assertion criteria provided. Collection method: clinical testing. Allele origin: germline.
Comment: This variant is classified as likely benign based on ACMG/AMP sequence variant interpretation guidelines (Richards et al. 2015 PMID: 25741868, with internal and published modifications).

NM_001080779.2(MYO1C):c.2136-10G>A

Gene: MYO1C (myosin IC; minus strand). Cytogenetic location: 17p13.3.
Variant type: single nucleotide variant.
Coding change: c.2136-10G>A on transcript NM_001080779.2 (MANE Select); 10 bases into the intron before coding-DNA position 2136, G replaced by A.
Molecular consequence: intron variant.
Genome position (GRCh38, 1-based): chr17:1,471,157, C>T on the plus strand (G>A on the coding strand, the complement: MYO1C is on the minus strand). VCF-style: chr17-1471157-C-T. GRCh37 (hg19) VCF-style: chr17-1374451-C-T.
Other names: c.2031-10G>A (NM_033375.5); c.2079-10G>A (NM_001080950.2); c.2064-10G>A (NM_001363855.1).
Identifiers: ClinVar variation 3041503 (VCV003041503.2), dbSNP rs777424229, ClinGen allele CA8267152.